The following is an entry in ClinVar:

NM_033026.6(PCLO):c.6605C>T (p.Thr2202Ile)

Gene: PCLO (piccolo presynaptic cytomatrix protein; minus strand). Cytogenetic location: 7q21.11.
Variant type: single nucleotide variant.
Coding change: c.6605C>T on transcript NM_033026.6 (MANE Select); coding-DNA position 6605, C replaced by T.
Protein change: p.Thr2202Ile; replaces threonine 2202 with isoleucine.
Molecular consequence: missense variant.
Genome position (GRCh38, 1-based): chr7:82,954,348, G>A on the plus strand (C>T on the coding strand, the complement: PCLO is on the minus strand). VCF-style: chr7-82954348-G-A. GRCh37 (hg19) VCF-style: chr7-82583664-G-A.
Other names: c.6605C>T, p.Thr2202Ile (NM_014510.3); c.6605C>T (NM_033026.5); short protein forms T2202I.
Identifiers: ClinVar variation 1447407 (VCV001447407.4), dbSNP rs772515820, ClinGen allele CA4320433.

ClinVar aggregate classification (germline): Uncertain significance. Review status: criteria provided, multiple submitters, no conflicts (2 of 4 stars). 2 submissions from 2 submitters: Uncertain significance (2). Last evaluated 2022-09-27.

Conditions:
Inborn genetic diseases. Identifiers: MedGen C0950123, MeSH D030342.

Allele frequency attached by ClinVar (database versions not stated): ExAC 0.00001; gnomAD exomes 0.00001; gnomAD 0.00002; TOPMed 0.00004.
gnomAD v4.1: 12 of 1,613,730 alleles (0.00074%); highest among the groups gnomAD compares: Non-Finnish European, 0.001%; no homozygotes.

Submissions (2):

Ambry Genetics
Classification: Uncertain significance for Inborn genetic diseases. Last evaluated: 2022-09-27. Review status: criteria provided, single submitter. Criteria: Ambry Variant Classification Scheme 2023. Collection method: clinical testing. Allele origin: germline.

Labcorp Genetics (formerly Invitae), Labcorp
Classification: Uncertain significance. Last evaluated: 2022-08-16. Review status: criteria provided, single submitter. Criteria: Invitae Variant Classification Sherloc (09022015). Collection method: clinical testing. Allele origin: germline.
Comment: This sequence change replaces threonine, which is neutral and polar, with isoleucine, which is neutral and non-polar, at codon 2202 of the PCLO protein (p.Thr2202Ile). This variant is present in population databases (rs772515820, gnomAD 0.002%). This variant has not been reported in the literature in individuals affected with PCLO-related conditions. ClinVar contains an entry for this variant (Variation ID: 1447407). Algorithms developed to predict the effect of missense changes on protein structure and function are either unavailable or do not agree on the potential impact of this missense change (SIFT: "Tolerated"; PolyPhen-2: "Not Available"; Align-GVGD: "Class C0"). In summary, the available evidence is currently insufficient to determine the role of this variant in disease. Therefore, it has been classified as a Variant of Uncertain Significance.